The following is an entry in ClinVar:

ClinVar aggregate classification (germline): Uncertain significance. Review status: criteria provided, multiple submitters, no conflicts (2 of 4 stars). 2 submissions from 2 submitters: Uncertain significance (2). Last evaluated 2025-05-29.

Conditions:
Inborn genetic diseases. Identifiers: MedGen C0950123, MeSH D030342.
Charcot-Marie-Tooth disease type 4. Also called: Charcot-Marie-Tooth, Type 4; Charcot-Marie-Tooth disease, type IV. Identifiers: Orphanet 64749, MedGen C4082197, MONDO:0018995.

Allele frequency attached by ClinVar (database versions not stated): ExAC 0.00002; gnomAD exomes 0.00002; gnomAD 0.00001.
gnomAD v4.1: 33 of 1,614,048 alleles (0.002%); highest among the groups gnomAD compares: Non-Finnish European, 0.0026%; no homozygotes.

Submissions (2):

Ambry Genetics
Classification: Uncertain significance for Inborn genetic diseases. Last evaluated: 2025-05-29. Review status: criteria provided, single submitter. Criteria: Ambry Variant Classification Scheme 2023. Collection method: clinical testing. Allele origin: germline.

Labcorp Genetics (formerly Invitae), Labcorp
Classification: Uncertain significance for Charcot-Marie-Tooth disease type 4. Last evaluated: 2024-12-16. Review status: criteria provided, single submitter. Criteria: Invitae Variant Classification Sherloc (09022015). Collection method: clinical testing. Allele origin: germline.
Comment: This sequence change replaces glycine, which is neutral and non-polar, with valine, which is neutral and non-polar, at codon 588 of the SH3TC2 protein (p.Gly588Val). This variant is present in population databases (rs760899669, gnomAD 0.003%). This variant has not been reported in the literature in individuals affected with SH3TC2-related conditions. ClinVar contains an entry for this variant (Variation ID: 950232). Invitae Evidence Modeling of protein sequence and biophysical properties (such as structural, functional, and spatial information, amino acid conservation, physicochemical variation, residue mobility, and thermodynamic stability) indicates that this missense variant is not expected to disrupt SH3TC2 protein function with a negative predictive value of 95%. In summary, the available evidence is currently insufficient to determine the role of this variant in disease. Therefore, it has been classified as a Variant of Uncertain Significance.

NM_024577.4(SH3TC2):c.1763G>T (p.Gly588Val)

Gene: SH3TC2 (SH3 domain and tetratricopeptide repeats 2; minus strand). Cytogenetic location: 5q32.
Variant type: single nucleotide variant.
Coding change: c.1763G>T on transcript NM_024577.4 (MANE Select); coding-DNA position 1763, G replaced by T.
Protein change: p.Gly588Val; replaces glycine 588 with valine.
Molecular consequence: missense variant.
Genome position (GRCh38, 1-based): chr5:149,027,969, C>A on the plus strand (G>T on the coding strand, the complement: SH3TC2 is on the minus strand). VCF-style: chr5-149027969-C-A. GRCh37 (hg19) VCF-style: chr5-148407532-C-A.
Other names: short protein forms G588V.
Identifiers: ClinVar variation 950232 (VCV000950232.8), dbSNP rs760899669, ClinGen allele CA3499132.